The following is an entry in ClinVar:

NM_001371928.1(AHDC1):c.3254C>T (p.Ala1085Val)

Gene: AHDC1 (AT-hook DNA binding motif containing 1; minus strand). Cytogenetic location: 1p36.11.
Variant type: single nucleotide variant.
Coding change: c.3254C>T on transcript NM_001371928.1 (MANE Select); coding-DNA position 3254, C replaced by T.
Protein change: p.Ala1085Val; replaces alanine 1085 with valine.
Molecular consequence: missense variant.
Genome position (GRCh38, 1-based): chr1:27,548,862, G>A on the plus strand (C>T on the coding strand, the complement: AHDC1 is on the minus strand). VCF-style: chr1-27548862-G-A. GRCh37 (hg19) VCF-style: chr1-27875373-G-A.
Other names: c.3254C>T, p.Ala1085Val (NM_001029882.3); short protein forms A1085V.
Identifiers: ClinVar variation 2822956 (VCV002822956.4), dbSNP rs2521881333, ClinGen allele CA339227682.

ClinVar aggregate classification (germline): Conflicting classifications of pathogenicity. Review status: criteria provided, conflicting classifications (1 of 4 stars). 2 submissions from 2 submitters: Uncertain significance (1); Likely benign (1). Last evaluated 2024-02-01.

Conditions:
AHDC1-related intellectual disability - obstructive sleep apnea - mild dysmorphism syndrome. Also called: Xia-Gibbs syndrome. Identifiers: Orphanet 412069, MedGen C4014419, MONDO:0014358, OMIM 615829.

Allele frequency attached by ClinVar (database versions not stated): gnomAD exomes below 0.00001.

Submissions (2):

Neuberg Centre For Genomic Medicine, NCGM
Classification: Uncertain significance for AHDC1-related intellectual disability - obstructive sleep apnea - mild dysmorphism syndrome. Last evaluated: 2024-02-01. Review status: criteria provided, single submitter. Criteria: ACMG Guidelines, 2015. Collection method: clinical testing. Allele origin: germline. Inheritance: Autosomal dominant inheritance. Affected: yes.
Comment: The above variant in AHDC1gene has not been reported previously as a pathogenic variant nor as a benign variant, to our knowledge.

Labcorp Genetics (formerly Invitae), Labcorp
Classification: Likely benign. Last evaluated: 2023-08-10. Review status: criteria provided, single submitter. Criteria: Invitae Variant Classification Sherloc (09022015). Collection method: clinical testing. Allele origin: germline.